The following is an entry in ClinVar:

NM_001145715.3(KPNA7):c.201G>A (p.Ala67=)

Gene: KPNA7 (karyopherin subunit alpha 7; minus strand). Cytogenetic location: 7q22.1.
Variant type: single nucleotide variant.
Coding change: c.201G>A on transcript NM_001145715.3 (MANE Select); coding-DNA position 201, G replaced by A.
Protein change: p.Ala67=; no amino-acid change (alanine 67 retained).
Molecular consequence: synonymous variant.
Genome position (GRCh38, 1-based): chr7:99,203,106, C>T on the plus strand (G>A on the coding strand, the complement: KPNA7 is on the minus strand). VCF-style: chr7-99203106-C-T. GRCh37 (hg19) VCF-style: chr7-98800729-C-T.
Identifiers: ClinVar variation 663833 (VCV000663833.6), dbSNP rs756748750, ClinGen allele CA4363287.
Genomic context (GRCh38, chr7:99,203,106, plus strand): 5'-CCAGAGACACTTGCTAAGAACATATTTTGCCCAAGACTACTCTAAACACTACATACTGAC[C>T]GCCACCCCTTTGGCTGTTTTTTCAGAAGGTGTGTCAGGGCAGAAGCTCGTGATATTCCTT-3'
Protein context (NP_001139187.1, residues 57-77): TPSEKTAKGV[Ala67=]VSLTLGEIIK

ClinVar aggregate classification (germline): Uncertain significance (1 of 4 stars; one submission).

Allele frequency attached by ClinVar (database versions not stated): gnomAD exomes 0.00003 and 0.00006; TOPMed 0.00004; gnomAD 0.00005; ExAC 0.00009.
gnomAD v4.1: 89 of 1,551,462 alleles (0.0057%); highest among the groups gnomAD compares: African/African-American, 0.0068%; no homozygotes.

Submission:

Labcorp Genetics (formerly Invitae), Labcorp
Classification: Uncertain significance. Last evaluated: 2022-08-31. Review status: criteria provided, single submitter. Criteria: Invitae Variant Classification Sherloc (09022015). Collection method: clinical testing. Allele origin: germline.
Comment: This sequence change affects codon 67 of the KPNA7 mRNA. It is a 'silent' change, meaning that it does not change the encoded amino acid sequence of the KPNA7 protein. This variant also falls at the last nucleotide of exon 2, which is part of the consensus splice site for this exon. This variant is present in population databases (rs756748750, gnomAD 0.009%). This variant has not been reported in the literature in individuals affected with KPNA7-related conditions. ClinVar contains an entry for this variant (Variation ID: 663833). Variants that disrupt the consensus splice site are a relatively common cause of aberrant splicing (PMID: 17576681, 9536098). Algorithms developed to predict the effect of sequence changes on RNA splicing suggest that this variant may disrupt the consensus splice site. In summary, the available evidence is currently insufficient to determine the role of this variant in disease. Therefore, it has been classified as a Variant of Uncertain Significance.

Literature cited by the submitters: PubMed 17576681; PubMed 9536098.